The following is an entry in ClinVar:

NM_000051.4(ATM):c.4987G>A (p.Gly1663Ser)

Gene: ATM (ATM serine/threonine kinase; plus strand). Cytogenetic location: 11q22.3.
Variant type: single nucleotide variant.
Coding change: c.4987G>A on transcript NM_000051.4 (MANE Select); coding-DNA position 4987, G replaced by A.
Protein change: p.Gly1663Ser; replaces glycine 1663 with serine.
Molecular consequence: missense variant.
Genome position (GRCh38, 1-based): chr11:108,297,364, G>A. VCF-style: chr11-108297364-G-A. GRCh37 (hg19) VCF-style: chr11-108168091-G-A.
Other names: c.4987G>A, p.Gly1663Ser (NM_001351834.2); short protein forms G1663S.
Identifiers: ClinVar variation 1385497 (VCV001385497.9), dbSNP rs1346404008, ClinGen allele CA382538499.

ClinVar aggregate classification (germline): Uncertain significance. Review status: criteria provided, multiple submitters, no conflicts (2 of 4 stars). 3 submissions from 3 submitters: Uncertain significance (3). Last evaluated 2023-01-23.

Conditions:
Hereditary cancer-predisposing syndrome. Also called: Tumor predisposition; Hereditary neoplastic syndrome; Neoplastic Syndromes, Hereditary; Hereditary Cancer Syndrome. Identifiers: Orphanet 140162, MedGen C0027672, MeSH D009386, MONDO:0015356.
Familial cancer of breast. Also called: BREAST CANCER, FAMILIAL; Hereditary breast cancer; hereditary breast carcinoma. Identifiers: Orphanet 227535, MedGen C0346153, MONDO:0016419, OMIM 114480. Disease mechanism: loss of function.
Ataxia-telangiectasia syndrome (AT). Also called: Cerebello-oculocutaneous telangiectasia; Immunodeficiency with ataxia telangiectasia; LOUIS-BAR SYNDROME; ATAXIA-TELANGIECTASIA, COMPLEMENTATION GROUP A; ATAXIA-TELANGIECTASIA, FRESNO VARIANT; Ataxia-telangiectasia, complementation group D. Identifiers: Orphanet 100, MedGen C0004135, MONDO:0008840, OMIM 208900.

Allele frequency attached by ClinVar (database versions not stated): gnomAD exomes below 0.00001; TOPMed below 0.00001.
gnomAD v4.1: 1 of 1,613,878 alleles (0.000062%); highest among the groups gnomAD compares: African/African-American, 0.0013%; no homozygotes.

Submissions (3):

Baylor Genetics
Classification: Uncertain significance for Familial cancer of breast. Last evaluated: 2023-01-23. Review status: criteria provided, single submitter. Criteria: ACMG Guidelines, 2015. Collection method: clinical testing. Allele origin: unknown.

Labcorp Genetics (formerly Invitae), Labcorp
Classification: Uncertain significance for Ataxia-telangiectasia syndrome. Last evaluated: 2022-06-29. Review status: criteria provided, single submitter. Criteria: Invitae Variant Classification Sherloc (09022015). Collection method: clinical testing. Allele origin: germline.
Comment: This sequence change replaces glycine, which is neutral and non-polar, with serine, which is neutral and polar, at codon 1663 of the ATM protein (p.Gly1663Ser). This variant is present in population databases (no rsID available, gnomAD 0.007%). This variant has not been reported in the literature in individuals affected with ATM-related conditions. Advanced modeling of protein sequence and biophysical properties (such as structural, functional, and spatial information, amino acid conservation, physicochemical variation, residue mobility, and thermodynamic stability) performed at Invitae indicates that this missense variant is not expected to disrupt ATM protein function. Algorithms developed to predict the effect of sequence changes on RNA splicing suggest that this variant may disrupt the consensus splice site. In summary, the available evidence is currently insufficient to determine the role of this variant in disease. Therefore, it has been classified as a Variant of Uncertain Significance.

Ambry Genetics
Classification: Uncertain significance for Hereditary cancer-predisposing syndrome. Last evaluated: 2022-02-05. Review status: criteria provided, single submitter. Criteria: Ambry Variant Classification Scheme 2023. Collection method: clinical testing. Allele origin: germline.
Comment: The p.G1663S variant (also known as c.4987G>A), located in coding exon 32 of the ATM gene, results from a G to A substitution at nucleotide position 4987. The glycine at codon 1663 is replaced by serine, an amino acid with similar properties. This amino acid position is conserved. In addition, this alteration is predicted to be tolerated by in silico analysis. Since supporting evidence is limited at this time, the clinical significance of this alteration remains unclear.